The following is an entry in ClinVar:

ClinVar aggregate classification (germline): Uncertain significance (1 of 4 stars; one submission).

Submission:

Labcorp Genetics (formerly Invitae), Labcorp
Classification: Uncertain significance. Last evaluated: 2021-09-08. Review status: criteria provided, single submitter. Criteria: Invitae Variant Classification Sherloc (09022015). Collection method: clinical testing. Allele origin: germline.
Comment: This variant results in a copy number gain of the genomic region encompassing exon(s) 57-58 of the USH2A gene. While the exact position of this variant cannot be determined from the data, sub-genic copy number gains are generally in tandem (PMID: 25640679). This variant is predicted to be in-frame, and likely preserves the integrity of the reading frame. A similar copy number variant has been observed in individual(s) with retinitis pigmentosa (Invitae). In at least one individual the data is consistent with the variant being in trans (on the opposite chromosome) from a pathogenic variant. Experimental studies and prediction algorithms are not available or were not evaluated, and the functional significance of this variant is currently unknown. In summary, the available evidence is currently insufficient to determine the role of this variant in disease. Therefore, it has been classified as a Variant of Uncertain Significance.

Literature cited by the submitters: PubMed 25640679.

NC_000001.10:g.(?_215931917)_(215933205_?)dup

Gene: USH2A (usherin; minus strand). Cytogenetic location: 1q41.
Variant type: Duplication.
Identifiers: ClinVar variation 2427770 (VCV002427770.2).